The following is an entry in ClinVar:

ClinVar aggregate classification (germline): Uncertain significance (1 of 4 stars; one submission).

Conditions:
Nephrotic syndrome, IIa 26. Also called: Nephrotic syndrome, type 26. Identifiers: MedGen C5774221, MONDO:0031061, OMIM 620049.

gnomAD v4.1: 235 of 1,589,918 alleles (0.015%); highest among the groups gnomAD compares: East Asian, 0.55%; 1 homozygote.

Submission:

3billion
Classification: Uncertain significance for Nephrotic syndrome, IIa 26. Last evaluated: 2024-08-16. Review status: criteria provided, single submitter. Criteria: ACMG Guidelines, 2015. Collection method: clinical testing. Allele origin: germline. Affected: yes.
Comment: The variant is observed at an extremely low frequency in the gnomAD v4.0.0 dataset (total allele frequency: 0.015%). Predicted Consequence/Location: Missense variant In silico tool predictions suggest no damaging effect of the variant on gene or gene product [REVEL: 0.14 (<0.4); 3Cnet: 0.00 (<0.15, specificity 0.78 and negative predictive value 0.92)]. Therefore, this variant is classified as VUS according to the recommendation of ACMG/AMP guideline.

NM_005560.6(LAMA5):c.9097G>C (p.Gly3033Arg)

Gene: LAMA5 (laminin subunit alpha 5; minus strand). Cytogenetic location: 20q13.33.
Variant type: single nucleotide variant.
Coding change: c.9097G>C on transcript NM_005560.6 (MANE Select); coding-DNA position 9097, G replaced by C.
Protein change: p.Gly3033Arg; replaces glycine 3033 with arginine.
Molecular consequence: missense variant.
Genome position (GRCh38, 1-based): chr20:62,312,762, C>G on the plus strand (G>C on the coding strand, the complement: LAMA5 is on the minus strand). VCF-style: chr20-62312762-C-G. GRCh37 (hg19) VCF-style: chr20-60887818-C-G.
Other names: short protein forms G3033R.
Identifiers: ClinVar variation 3775795 (VCV003775795.2).